The following is an entry in ClinVar:

NM_014176.4(UBE2T):c.139G>C (p.Glu47Gln)

Gene: UBE2T (ubiquitin conjugating enzyme E2 T; minus strand). Cytogenetic location: 1q32.1.
Variant type: single nucleotide variant.
Coding change: c.139G>C on transcript NM_014176.4 (MANE Select); coding-DNA position 139, G replaced by C.
Protein change: p.Glu47Gln; replaces glutamic acid 47 with glutamine.
Molecular consequence: missense variant.
Genome position (GRCh38, 1-based): chr1:202,335,029, C>G on the plus strand (G>C on the coding strand, the complement: UBE2T is on the minus strand). VCF-style: chr1-202335029-C-G. GRCh37 (hg19) VCF-style: chr1-202304157-C-G.
Other names: c.49G>C, p.Glu17Gln (NM_001310326.2); short protein forms E47Q, E17Q.
Identifiers: ClinVar variation 4722322 (VCV004722322.1).

ClinVar aggregate classification (germline): Uncertain significance (1 of 4 stars; one submission).

Submission:

Labcorp Genetics (formerly Invitae), Labcorp
Classification: Uncertain significance. Last evaluated: 2025-08-13. Review status: criteria provided, single submitter. Criteria: Invitae Variant Classification Sherloc (09022015). Collection method: clinical testing. Allele origin: germline.
Comment: This sequence change replaces glutamic acid, which is acidic and polar, with glutamine, which is neutral and polar, at codon 47 of the UBE2T protein (p.Glu47Gln). This variant is not present in population databases (gnomAD no frequency). This variant has not been reported in the literature in individuals affected with UBE2T-related conditions. An algorithm developed to predict the effect of missense changes on protein structure and function (PolyPhen-2) suggests that this variant is likely to be tolerated. In summary, the available evidence is currently insufficient to determine the role of this variant in disease. Therefore, it has been classified as a Variant of Uncertain Significance.